The following is an entry in ClinVar:

NM_005422.4(TECTA):c.5825A>T (p.Tyr1942Phe)

Genes: TBCEL-TECTA (TBCEL-TECTA readthrough; plus strand), TECTA (tectorin alpha; plus strand). Cytogenetic location: 11q23.3.
Variant type: single nucleotide variant.
Coding change: c.5825A>T on transcript NM_005422.4 (MANE Select); coding-DNA position 5825, A replaced by T.
Protein change: p.Tyr1942Phe; replaces tyrosine 1942 with phenylalanine.
Molecular consequence: missense variant.
Genome position (GRCh38, 1-based): chr11:121,168,751, A>T. VCF-style: chr11-121168751-A-T. GRCh37 (hg19) VCF-style: chr11-121039460-A-T.
Other names: c.6767A>T, p.Tyr2256Phe (NM_001378761.1); short protein forms Y2256F, Y1942F.
Identifiers: ClinVar variation 1349419 (VCV001349419.8), dbSNP rs373343675, ClinGen allele CA6327829.

ClinVar aggregate classification (germline): Uncertain significance (1 of 4 stars; one submission).

Allele frequency attached by ClinVar (database versions not stated): ExAC 0.00001; gnomAD exomes 0.00001; gnomAD 0.00002; ESP Exome Variant Server 0.00008.
gnomAD v4.1: 8 of 1,614,086 alleles (0.0005%); highest among the groups gnomAD compares: Non-Finnish European, 0.00068%; no homozygotes.

Submission:

Labcorp Genetics (formerly Invitae), Labcorp
Classification: Uncertain significance. Last evaluated: 2021-07-13. Review status: criteria provided, single submitter. Criteria: Invitae Variant Classification Sherloc (09022015). Collection method: clinical testing. Allele origin: germline.
Comment: This variant disrupts the p.Tyr1942 amino acid residue in TECTA. Other variant(s) that disrupt this residue have been observed in individuals with TECTA-related conditions (PMID: 26969326, 31554319), which suggests that this may be a clinically significant amino acid residue. This sequence change replaces tyrosine with phenylalanine at codon 1942 of the TECTA protein (p.Tyr1942Phe). The tyrosine residue is highly conserved and there is a small physicochemical difference between tyrosine and phenylalanine. This variant is present in population databases (rs373343675, ExAC 0.001%). This variant has not been reported in the literature in individuals with TECTA-related conditions. Algorithms developed to predict the effect of missense changes on protein structure and function are either unavailable or do not agree on the potential impact of this missense change (SIFT: "Deleterious"; PolyPhen-2: "Probably Damaging"; Align-GVGD: "Class C15"). In summary, the available evidence is currently insufficient to determine the role of this variant in disease. Therefore, it has been classified as a Variant of Uncertain Significance.

Literature cited by the submitters: PubMed 26969326; PubMed 31554319.